The following is an entry in ClinVar:

NM_006922.4(SCN3A):c.2418A>T (p.Glu806Asp)

Gene: SCN3A (sodium voltage-gated channel alpha subunit 3; minus strand). Cytogenetic location: 2q24.3.
Variant type: single nucleotide variant.
Coding change: c.2418A>T on transcript NM_006922.4 (MANE Select); coding-DNA position 2418, A replaced by T.
Protein change: p.Glu806Asp; replaces glutamic acid 806 with aspartic acid.
Molecular consequence: missense variant.
Genome position (GRCh38, 1-based): chr2:165,131,391, T>A on the plus strand (A>T on the coding strand, the complement: SCN3A is on the minus strand). VCF-style: chr2-165131391-T-A. GRCh37 (hg19) VCF-style: chr2-165987901-T-A.
Other names: c.2271A>T, p.Glu757Asp (NM_001081676.2, NM_001081677.2); short protein forms E757D, E806D.
Identifiers: ClinVar variation 2080258 (VCV002080258.4), dbSNP rs2468260737, ClinGen allele CA349043444.

ClinVar aggregate classification (germline): Uncertain significance (1 of 4 stars; one submission).

Allele frequency attached by ClinVar (database versions not stated): gnomAD exomes below 0.00001.
gnomAD v4.1: 1 of 1,604,924 alleles (0.000062%); highest among the groups gnomAD compares: Non-Finnish European, 0.000085%; no homozygotes.

Submission:

Labcorp Genetics (formerly Invitae), Labcorp
Classification: Uncertain significance. Last evaluated: 2023-11-01. Review status: criteria provided, single submitter. Criteria: Invitae Variant Classification Sherloc (09022015). Collection method: clinical testing. Allele origin: germline.
Comment: This sequence change replaces glutamic acid, which is acidic and polar, with aspartic acid, which is acidic and polar, at codon 806 of the SCN3A protein (p.Glu806Asp). This variant is not present in population databases (gnomAD no frequency). This variant has not been reported in the literature in individuals affected with SCN3A-related conditions. ClinVar contains an entry for this variant (Variation ID: 2080258). Advanced modeling of protein sequence and biophysical properties (such as structural, functional, and spatial information, amino acid conservation, physicochemical variation, residue mobility, and thermodynamic stability) has been performed at Invitae for this missense variant, however the output from this modeling did not meet the statistical confidence thresholds required to predict the impact of this variant on SCN3A protein function. In summary, the available evidence is currently insufficient to determine the role of this variant in disease. Therefore, it has been classified as a Variant of Uncertain Significance.